The following is an entry in ClinVar:

NM_032382.5(COG8):c.146A>G (p.Tyr49Cys)

Gene: COG8 (component of oligomeric golgi complex 8; minus strand). Cytogenetic location: 16q22.1.
Variant type: single nucleotide variant.
Coding change: c.146A>G on transcript NM_032382.5 (MANE Select); coding-DNA position 146, A replaced by G.
Protein change: p.Tyr49Cys; replaces tyrosine 49 with cysteine.
Molecular consequence: missense variant.
Genome position (GRCh38, 1-based): chr16:69,339,407, T>C on the plus strand (A>G on the coding strand, the complement: COG8 is on the minus strand). VCF-style: chr16-69339407-T-C. GRCh37 (hg19) VCF-style: chr16-69373310-T-C.
Other names: c.146A>G, p.Tyr49Cys (NM_001374871.1, NM_001379261.1, NM_001379262.1 and 4 more transcripts); short protein forms Y49C.
Identifiers: ClinVar variation 3250764 (VCV003250764.18), dbSNP rs746569478.

ClinVar aggregate classification (germline): Uncertain significance (1 of 4 stars; one submission).

Allele frequency attached by ClinVar (database versions not stated): gnomAD 0.00001; gnomAD exomes 0.00001; ExAC 0.00006.
gnomAD v4.1: 13 of 1,584,164 alleles (0.00082%); highest among the groups gnomAD compares: South Asian, 0.0022%; no homozygotes.

Submission:

CeGaT Center for Human Genetics Tuebingen
Classification: Uncertain significance. Last evaluated: 2024-06-01. Review status: criteria provided, single submitter. Criteria: CeGaT Center For Human Genetics Tuebingen Variant Classification Criteria Version 2. Collection method: clinical testing. Allele origin: germline. Affected: yes. Observed: 1 variant allele.
Comment: COG8: PM2, PP3